The following is an entry in ClinVar:

ClinVar aggregate classification (germline): Uncertain significance (1 of 4 stars; one submission).

Conditions:
Hereditary pancreatitis (PCTT). Also called: Hereditary chronic pancreatitis; PRSS1-Related Hereditary Pancreatitis. Identifiers: Orphanet 676, MedGen C0238339, MONDO:0008185, OMIM 167800.

Submission:

Ambry Genetics
Classification: Uncertain significance for Hereditary pancreatitis. Last evaluated: 2024-09-30. Review status: criteria provided, single submitter. Criteria: Ambry Variant Classification Scheme 2023. Collection method: clinical testing. Allele origin: germline.
Comment: The p.W191C variant (also known as c.573G>T), located in coding exon 5 of the CPA1 gene, results from a G to T substitution at nucleotide position 573. The tryptophan at codon 191 is replaced by cysteine, an amino acid with highly dissimilar properties. This amino acid position is conserved. In addition, this alteration is predicted to be deleterious by in silico analysis. Based on the available evidence, the clinical significance of this variant remains unclear.

NM_001868.4(CPA1):c.573G>T (p.Trp191Cys)

Gene: CPA1 (carboxypeptidase A1; plus strand). Cytogenetic location: 7q32.2.
Variant type: single nucleotide variant.
Coding change: c.573G>T on transcript NM_001868.4 (MANE Select); coding-DNA position 573, G replaced by T.
Protein change: p.Trp191Cys; replaces tryptophan 191 with cysteine.
Molecular consequence: missense variant.
Genome position (GRCh38, 1-based): chr7:130,383,480, G>T. VCF-style: chr7-130383480-G-T. GRCh37 (hg19) VCF-style: chr7-130023321-G-T.
Other names: short protein forms W191C.
Identifiers: ClinVar variation 3496208 (VCV003496208.1).